The following is an entry in ClinVar:

ClinVar aggregate classification (germline): Uncertain significance (1 of 4 stars; one submission).

Allele frequency attached by ClinVar (database versions not stated): TOPMed below 0.00001; gnomAD 0.00001.
gnomAD v4.1: 1 of 1,613,142 alleles (0.000062%); highest among the groups gnomAD compares: Non-Finnish European, 0.000085%; no homozygotes.

Submission:

Labcorp Genetics (formerly Invitae), Labcorp
Classification: Uncertain significance. Last evaluated: 2023-10-25. Review status: criteria provided, single submitter. Criteria: Invitae Variant Classification Sherloc (09022015). Collection method: clinical testing. Allele origin: germline.
Comment: This sequence change replaces arginine, which is basic and polar, with glutamine, which is neutral and polar, at codon 264 of the ADIPOR1 protein (p.Arg264Gln). This variant is not present in population databases (gnomAD no frequency). This variant has not been reported in the literature in individuals affected with ADIPOR1-related conditions. An algorithm developed to predict the effect of missense changes on protein structure and function (PolyPhen-2) suggests that this variant is likely to be disruptive. In summary, the available evidence is currently insufficient to determine the role of this variant in disease. Therefore, it has been classified as a Variant of Uncertain Significance.

NM_015999.6(ADIPOR1):c.791G>A (p.Arg264Gln)

Gene: ADIPOR1 (adiponectin receptor 1; minus strand). Cytogenetic location: 1q32.1.
Variant type: single nucleotide variant.
Coding change: c.791G>A on transcript NM_015999.6 (MANE Select); coding-DNA position 791, G replaced by A.
Protein change: p.Arg264Gln; replaces arginine 264 with glutamine.
Molecular consequence: missense variant.
Genome position (GRCh38, 1-based): chr1:202,943,772, C>T on the plus strand (G>A on the coding strand, the complement: ADIPOR1 is on the minus strand). VCF-style: chr1-202943772-C-T. GRCh37 (hg19) VCF-style: chr1-202912900-C-T.
Other names: c.791G>A, p.Arg264Gln (NM_001127687.1, NM_001290553.2, NM_001290557.1 and 1 more transcripts); short protein forms R264Q.
Identifiers: ClinVar variation 2880005 (VCV002880005.3), dbSNP rs1163115003, ClinGen allele CA344278807.
Genomic context (GRCh38, chr1:202,943,772, plus strand): 5'-CTAAGGTCTAAATACCTCTGAGGTGTACGTACATCTTCCGACCTACCTGCTCTTGTCTGC[C>T]GGTGCTTAGGAGTGGCAAACCGGTCCCACTGCGCCACAATGATGGCAGAAATGCCCAGGA-3'
Protein context (NP_057083.2, residues 254-274): QWDRFATPKH[Arg264Gln]QTRAGVFLGL